The following is an entry in ClinVar:

ClinVar aggregate classification (germline): Benign. Review status: criteria provided, multiple submitters, no conflicts (2 of 4 stars). 8 submissions from 8 submitters: Benign (5). 3 of the submissions do not count toward it. Last evaluated 2026-02-03.

Conditions:
Early-infantile DEE. Also called: Early infantile epileptic encephalopathy; Ohtahara syndrome; Early infantile epileptic encephalopathy with suppression bursts. Identifiers: Orphanet 1934, MedGen C0393706, MONDO:0800491.

Allele frequency attached by ClinVar (database versions not stated): gnomAD exomes 0.00343 and 0.00925; ExAC 0.01149; gnomAD 0.03575 and 0.03846; 1000 Genomes Project 0.03634; 1000 Genomes Project 30x 0.04044; TOPMed 0.04050; ESP Exome Variant Server 0.04352.
gnomAD v4.1: 10,651 of 1,609,914 alleles (0.66%); highest among the groups gnomAD compares: African/African-American, 12%; 621 homozygotes.

Submissions (8):

Labcorp Genetics (formerly Invitae), Labcorp
Classification: Benign for Early-infantile DEE. Last evaluated: 2026-02-03. Review status: criteria provided, single submitter. Criteria: Invitae Variant Classification Sherloc (09022015). Collection method: clinical testing. Allele origin: germline.

Eurofins Ntd Llc (ga)
Classification: Benign. Last evaluated: 2015-04-30. Review status: criteria provided, single submitter. Criteria: EGL Classification Definitions 2015. Collection method: clinical testing. Allele origin: germline. Observed: 15 variant alleles, 15 heterozygotes.

GeneDx
Classification: Benign. Last evaluated: 2012-06-12. Review status: criteria provided, single submitter. Criteria: GeneDx Variant Classification (06012015). Collection method: clinical testing. Allele origin: germline. Affected: yes.
Comment: This variant is considered likely benign or benign based on one or more of the following criteria: it is a conservative change, it occurs at a poorly conserved position in the protein, it is predicted to be benign by multiple in silico algorithms, and/or has population frequency not consistent with disease.

Breakthrough Genomics
Classification: Benign. Review status: criteria provided, single submitter. Criteria: ACMG Guidelines, 2015. Collection method: not provided. Allele origin: germline. Inheritance: Autosomal dominant inheritance. Affected: yes.

PreventionGenetics, part of Exact Sciences
Classification: Benign. Review status: criteria provided, single submitter. Criteria: ACMG Guidelines, 2015. Collection method: clinical testing. Allele origin: germline.

Genome Diagnostics Laboratory, University Medical Center Utrecht
Classification: Benign. Review status: no assertion criteria provided. Collection method: clinical testing. Allele origin: germline. Affected: yes. Study: VKGL Data-share Consensus. Not counted in ClinVar's aggregate classification.

Joint Genome Diagnostic Labs from Nijmegen and Maastricht, Radboudumc and MUMC+
Classification: Benign. Review status: no assertion criteria provided. Collection method: clinical testing. Allele origin: germline. Affected: yes. Study: VKGL Data-share Consensus. Not counted in ClinVar's aggregate classification.

Laboratory of Diagnostic Genome Analysis, Leiden University Medical Center (LUMC)
Classification: Likely benign. Review status: no assertion criteria provided. Collection method: clinical testing. Allele origin: germline. Affected: yes. Study: VKGL Data-share Consensus. Not counted in ClinVar's aggregate classification.

NM_001165963.4(SCN1A):c.2176+17A>G

Gene: SCN1A (sodium voltage-gated channel alpha subunit 1; minus strand). Cytogenetic location: 2q24.3.
Variant type: single nucleotide variant.
Coding change: c.2176+17A>G on transcript NM_001165963.4 (MANE Select); 17 bases into the intron after coding-DNA position 2176, A replaced by G.
Molecular consequence: intron variant.
Genome position (GRCh38, 1-based): chr2:166,042,275, T>C on the plus strand (A>G on the coding strand, the complement: SCN1A is on the minus strand). VCF-style: chr2-166042275-T-C. GRCh37 (hg19) VCF-style: chr2-166898785-T-C.
Other names: c.2092+17A>G (NM_001165964.3, NM_001353958.2, NM_001353957.2); c.2143+17A>G (NM_001353952.2, NM_006920.6, NM_001353949.2 and 2 more transcripts); c.-283+17A>G (NM_001353961.2); c.2176+17A>G (NM_001202435.3, NM_001353948.2); c.2140+17A>G (NM_001353955.2, NM_001353954.2); c.2089+17A>G (NM_001353960.2).
Identifiers: ClinVar variation 93637 (VCV000093637.19), dbSNP rs59251406, ClinGen allele CA285447.